The following is an entry in ClinVar:

ClinVar aggregate classification (germline): Uncertain significance (1 of 4 stars; one submission).

Submission:

CeGaT Center for Human Genetics Tuebingen
Classification: Uncertain significance. Last evaluated: 2022-05-01. Review status: criteria provided, single submitter. Criteria: CeGaT Center For Human Genetics Tuebingen Variant Classification Criteria Version 2. Collection method: clinical testing. Allele origin: germline. Affected: yes. Observed: 1 variant allele.
Comment: FTCD: PM2, PS2:Supporting, BP4

NM_206965.2(FTCD):c.774+5G>T

Gene: FTCD (formimidoyltransferase cyclodeaminase; minus strand). Cytogenetic location: 21q22.3.
Variant type: single nucleotide variant.
Coding change: c.774+5G>T on transcript NM_206965.2 (MANE Select); 5 bases into the intron after coding-DNA position 774, G replaced by T.
Molecular consequence: intron variant.
Genome position (GRCh38, 1-based): chr21:46,150,383, C>A on the plus strand (G>T on the coding strand, the complement: FTCD is on the minus strand). VCF-style: chr21-46150383-C-A. GRCh37 (hg19) VCF-style: chr21-47570297-C-A.
Other names: c.774+5G>T (NM_001320412.2, NM_006657.3).
Identifiers: ClinVar variation 2652807 (VCV002652807.24), dbSNP rs1393893436, ClinGen allele CA2695200059.
Genomic context (GRCh38, chr21:46,150,383, plus strand): 5'-CCCGCCCTGCCCACGGGACAGATCGGCTCGCCCCTCACAGCAGCAGCGGCTGCTCCCGGG[C>A]TCACCTGTGCTTCTCGGCAGGTCTCCTCGTAGACCGTGTGCAGTGCCGTGACCTCAAAGT-3'